The following is an entry in ClinVar:

NM_004795.4(KL):c.1594A>G (p.Ile532Val)

Gene: KL (klotho; plus strand). Cytogenetic location: 13q13.1.
Variant type: single nucleotide variant.
Coding change: c.1594A>G on transcript NM_004795.4 (MANE Select); coding-DNA position 1594, A replaced by G.
Protein change: p.Ile532Val; replaces isoleucine 532 with valine.
Molecular consequence: missense variant.
Genome position (GRCh38, 1-based): chr13:33,055,310, A>G. VCF-style: chr13-33055310-A-G. GRCh37 (hg19) VCF-style: chr13-33629447-A-G.
Other names: short protein forms I532V.
Identifiers: ClinVar variation 1347848 (VCV001347848.6), dbSNP rs371650258, ClinGen allele CA6944124.
Genomic context (GRCh38, chr13:33,055,310, plus strand): 5'-AATCAGCCCCTAGAAGGGACATTTCCCTGTGACTTTGCTTGGGGAGTTGTTGACAACTAC[A>G]TTCAAGTAAGTCAGCTGACAAAACCAATCAGCAGTCTCACCAAGCCCTATCACTAGTAAG-3'
Protein context (NP_004786.2, residues 522-542): DFAWGVVDNY[Ile532Val]QVDTTLSQFT

ClinVar aggregate classification (germline): Uncertain significance (1 of 4 stars; one submission).

Allele frequency attached by ClinVar (database versions not stated): gnomAD 0.00001; gnomAD exomes 0.00002; TOPMed 0.00002; ExAC 0.00004; ESP Exome Variant Server 0.00008.
gnomAD v4.1: 40 of 1,614,086 alleles (0.0025%); highest among the groups gnomAD compares: Non-Finnish European, 0.0031%; no homozygotes.

Submission:

Labcorp Genetics (formerly Invitae), Labcorp
Classification: Uncertain significance. Last evaluated: 2025-02-10. Review status: criteria provided, single submitter. Criteria: Invitae Variant Classification Sherloc (09022015). Collection method: clinical testing. Allele origin: germline.
Comment: This sequence change replaces isoleucine, which is neutral and non-polar, with valine, which is neutral and non-polar, at codon 532 of the KL protein (p.Ile532Val). This variant is present in population databases (rs371650258, gnomAD 0.004%). This variant has not been reported in the literature in individuals affected with KL-related conditions. ClinVar contains an entry for this variant (Variation ID: 1347848). Invitae Evidence Modeling of protein sequence and biophysical properties (such as structural, functional, and spatial information, amino acid conservation, physicochemical variation, residue mobility, and thermodynamic stability) indicates that this missense variant is not expected to disrupt KL protein function with a negative predictive value of 80%. In summary, the available evidence is currently insufficient to determine the role of this variant in disease. Therefore, it has been classified as a Variant of Uncertain Significance.